The following is an entry in ClinVar:

NM_001927.4(DES):c.-31T>A

Genes: DES (desmin; plus strand), DES-LCR (desmin locus control region; plus strand). Cytogenetic location: 2q35.
Variant type: single nucleotide variant.
Coding change: c.-31T>A on transcript NM_001927.4 (MANE Select); 31 bases upstream of the start codon, T replaced by A.
Molecular consequence: 5 prime UTR variant.
Genome position (GRCh38, 1-based): chr2:219,418,432, T>A. VCF-style: chr2-219418432-T-A. GRCh37 (hg19) VCF-style: chr2-220283154-T-A.
Identifiers: ClinVar variation 670193 (VCV000670193.1), dbSNP rs770778694, ClinGen allele CA2124997.
Genomic context (GRCh38, chr2:219,418,432, plus strand): 5'-GCCCTGTCTCCCCTCGCCGCATCCACTCTCCGGCCGGCCGCCTGCCCGCCGCCTCCTCCG[T>A]GCGCCCGCCAGCCTCGCCCGCGCCGTCACCATGAGCCAGGCCTACTCGTCCAGCCAGCGC-3'

ClinVar aggregate classification (germline): Likely benign (1 of 4 stars; one submission).

Allele frequency attached by ClinVar (database versions not stated): TOPMed 0.00006 and 0.00003; gnomAD 0.00007 and 0.00003; ExAC 0.00010.
gnomAD v4.1: 45 of 1,552,238 alleles (0.0029%); highest among the groups gnomAD compares: Non-Finnish European, 0.0035%; no homozygotes.

Submission:

GeneDx
Classification: Likely benign. Last evaluated: 2018-04-03. Review status: criteria provided, single submitter. Criteria: GeneDx Variant Classification (06012015). Collection method: clinical testing. Allele origin: germline. Affected: yes.
Comment: This variant is considered likely benign or benign based on one or more of the following criteria: it is a conservative change, it occurs at a poorly conserved position in the protein, it is predicted to be benign by multiple in silico algorithms, and/or has population frequency not consistent with disease.